The following is an entry in ClinVar:

ClinVar aggregate classification (germline): Uncertain significance. Review status: criteria provided, multiple submitters, no conflicts (2 of 4 stars). 3 submissions from 3 submitters: Uncertain significance (3). Last evaluated 2025-12-29.

Conditions:
Cardiovascular phenotype. Identifiers: MedGen CN230736.
Erythrokeratodermia variabilis et progressiva 6. Identifiers: MedGen C5193144, MONDO:0032801, OMIM 618531.
Progressive familial heart block type IB (PFHB1B). Identifiers: Orphanet 871, MedGen C1970298, MONDO:0011474, OMIM 604559.

Allele frequency attached by ClinVar (database versions not stated): gnomAD exomes below 0.00001; TOPMed below 0.00001.
gnomAD v4.1: 4 of 1,591,166 alleles (0.00025%); highest among the groups gnomAD compares: African/African-American, 0.0054%; no homozygotes.

Submissions (3):

Labcorp Genetics (formerly Invitae), Labcorp
Classification: Uncertain significance for Progressive familial heart block type IB. Last evaluated: 2025-12-29. Review status: criteria provided, single submitter. Criteria: Invitae Variant Classification Sherloc (09022015). Collection method: clinical testing. Allele origin: germline.
Comment: This sequence change replaces glycine, which is neutral and non-polar, with arginine, which is basic and polar, at codon 1203 of the TRPM4 protein (p.Gly1203Arg). This variant is present in population databases (no rsID available, gnomAD 0.009%). This variant has not been reported in the literature in individuals affected with TRPM4-related conditions. ClinVar contains an entry for this variant (Variation ID: 1423815). An algorithm developed to predict the effect of missense changes on protein structure and function (PolyPhen-2) suggests that this variant is likely to be disruptive. Algorithms developed to predict the effect of sequence changes on RNA splicing suggest that this variant may disrupt the consensus splice site. In summary, the available evidence is currently insufficient to determine the role of this variant in disease. Therefore, it has been classified as a Variant of Uncertain Significance.

Fulgent Genetics
Classification: Uncertain significance for Progressive familial heart block type IB; Erythrokeratodermia variabilis et progressiva 6. Last evaluated: 2021-08-24. Review status: criteria provided, single submitter. Criteria: ACMG Guidelines, 2015. Collection method: clinical testing. Allele origin: unknown.

Ambry Genetics
Classification: Uncertain significance for Cardiovascular phenotype. Last evaluated: 2021-03-31. Review status: criteria provided, single submitter. Criteria: Ambry Variant Classification Scheme 2023. Collection method: clinical testing. Allele origin: germline.
Comment: The p.G1203R variant (also known as c.3607G>A), located in coding exon 24 of the TRPM4 gene, results from a G to A substitution at nucleotide position 3607. The glycine at codon 1203 is replaced by arginine, an amino acid with dissimilar properties. This amino acid position is well conserved in available vertebrate species; however, arginine is the reference amino acid in other vertebrate species. In addition, this alteration is predicted to be tolerated by in silico analysis. Since supporting evidence is limited at this time, the clinical significance of this alteration remains unclear.

NM_017636.4(TRPM4):c.3607G>A (p.Gly1203Arg)

Gene: TRPM4 (transient receptor potential cation channel subfamily M member 4; plus strand). Cytogenetic location: 19q13.33.
Variant type: single nucleotide variant.
Coding change: c.3607G>A on transcript NM_017636.4 (MANE Select); coding-DNA position 3607, G replaced by A.
Protein change: p.Gly1203Arg; replaces glycine 1203 with arginine.
Molecular consequence: missense variant.
Genome position (GRCh38, 1-based): chr19:49,211,236, G>A. VCF-style: chr19-49211236-G-A. GRCh37 (hg19) VCF-style: chr19-49714493-G-A.
Other names: c.3172G>A, p.Gly1058Arg (NM_001195227.2); c.3262G>A, p.Gly1088Arg (NM_001321281.2); c.1999G>A, p.Gly667Arg (NM_001321282.2); c.3085G>A, p.Gly1029Arg (NM_001321283.2); c.2545G>A, p.Gly849Arg (NM_001321285.2); short protein forms G1058R, G1203R, G667R, G1029R, G1088R, G849R.
Identifiers: ClinVar variation 1423815 (VCV001423815.11), dbSNP rs916697392, ClinGen allele CA309421209.